The following is an entry in ClinVar:

ClinVar aggregate classification (germline): Uncertain significance. Review status: criteria provided, multiple submitters, no conflicts (2 of 4 stars). 2 submissions from 2 submitters: Uncertain significance (2). Last evaluated 2023-01-09.

Conditions:
Hereditary cancer-predisposing syndrome. Also called: Hereditary Cancer Syndrome; Hereditary neoplastic syndrome; Tumor predisposition; Neoplastic Syndromes, Hereditary. Identifiers: Orphanet 140162, MedGen C0027672, MeSH D009386, MONDO:0015356.
CHEK2-related cancer predisposition (TPDS4). Also called: CHEK2-related cancer susceptibility; TUMOR PREDISPOSITION SYNDROME 4; CANCER PREDISPOSITION SYNDROME, CHEK2-RELATED. Identifiers: Orphanet 524, MedGen C5882668, MONDO:0700271, OMIM 609265.
Familial prostate cancer. Also called: Hereditary Prostate Cancer. Identifiers: MedGen C2931456, MONDO:0700275, OMIM 176807.

Submissions (2):

Department of Pathology and Laboratory Medicine, Sinai Health System
Classification: Uncertain significance for Familial prostate cancer; CHEK2-related cancer predisposition. Last evaluated: 2023-01-09. Review status: criteria provided, single submitter. Criteria: ACMG Guidelines, 2015. Collection method: clinical testing. Allele origin: germline. Affected: yes.

Ambry Genetics
Classification: Uncertain significance for Hereditary cancer-predisposing syndrome. Last evaluated: 2020-03-24. Review status: criteria provided, single submitter. Criteria: Ambry Variant Classification Scheme 2023. Collection method: clinical testing. Allele origin: germline.
Comment: The p.W93G variant (also known as c.277T>G), located in coding exon 1 of the CHEK2 gene, results from a T to G substitution at nucleotide position 277. The tryptophan at codon 93 is replaced by glycine, an amino acid with highly dissimilar properties. This amino acid position is well conserved in available vertebrate species. Since supporting evidence is limited at this time, the clinical significance of this alteration remains unclear.

NM_007194.4(CHEK2):c.277T>G (p.Trp93Gly)

Gene: CHEK2 (checkpoint kinase 2; minus strand). Cytogenetic location: 22q12.1.
Variant type: single nucleotide variant.
Coding change: c.277T>G on transcript NM_007194.4 (MANE Select); coding-DNA position 277, T replaced by G.
Protein change: p.Trp93Gly; replaces tryptophan 93 with glycine.
Molecular consequence: missense variant.
Genome position (GRCh38, 1-based): chr22:28,734,445, A>C on the plus strand (T>G on the coding strand, the complement: CHEK2 is on the minus strand). VCF-style: chr22-28734445-A-C. GRCh37 (hg19) VCF-style: chr22-29130433-A-C.
Other names: c.277T>G, p.Trp93Gly (NM_145862.3, NM_001005735.3, NM_001349956.3); c.-501T>G (NM_001257387.3); short protein forms W93G.
Identifiers: ClinVar variation 1795918 (VCV001795918.3), dbSNP rs730881697, ClinGen allele CA411090406.
Genomic context (GRCh38, chr22:28,734,445, plus strand): 5'-TACAACAAAGGGTCTTACCAAGATTGGCAAATCCATCCTGAAGGGCCCATAATCGAGCCC[A>C]GGGGGCAGGGGTAGGCTCCTCAGGTTCTTGGTCCTCAGGTTCTTGGTCCTCAGGAATAGA-3'
Protein context (NP_009125.1, residues 83-103): QEPEEPTPAP[Trp93Gly]ARLWALQDGF